The following is an entry in ClinVar:

ClinVar aggregate classification (germline): Uncertain significance (1 of 4 stars; one submission).

Submission:

Labcorp Genetics (formerly Invitae), Labcorp
Classification: Uncertain significance. Last evaluated: 2025-05-02. Review status: criteria provided, single submitter. Criteria: Invitae Variant Classification Sherloc (09022015). Collection method: clinical testing. Allele origin: germline.
Comment: This sequence change replaces glutamic acid, which is acidic and polar, with valine, which is neutral and non-polar, at codon 397 of the IL1RAPL1 protein (p.Glu397Val). This variant is not present in population databases (gnomAD no frequency). This variant has not been reported in the literature in individuals affected with IL1RAPL1-related conditions. An algorithm developed to predict the effect of missense changes on protein structure and function (PolyPhen-2) suggests that this variant is likely to be tolerated. In summary, the available evidence is currently insufficient to determine the role of this variant in disease. Therefore, it has been classified as a Variant of Uncertain Significance.

NM_014271.4(IL1RAPL1):c.1190A>T (p.Glu397Val)

Gene: IL1RAPL1 (interleukin 1 receptor accessory protein like 1; plus strand). Cytogenetic location: Xp21.2.
Variant type: single nucleotide variant.
Coding change: c.1190A>T on transcript NM_014271.4 (MANE Select); coding-DNA position 1190, A replaced by T.
Protein change: p.Glu397Val; replaces glutamic acid 397 with valine.
Molecular consequence: missense variant.
Genome position (GRCh38, 1-based): chrX:29,941,783, A>T. VCF-style: chrX-29941783-A-T. GRCh37 (hg19) VCF-style: chrX-29959900-A-T.
Other names: short protein forms E397V.
Identifiers: ClinVar variation 4718582 (VCV004718582.1).